The following is an entry in ClinVar:

ClinVar aggregate classification (germline): Uncertain significance (1 of 4 stars; one submission).

Conditions:
Intellectual developmental disorder, autosomal dominant 1. Also called: MBD5 Haploinsufficiency; Intellectual disability, autosomal dominant 1. Identifiers: Orphanet 228402, MedGen C1969562, MONDO:0007974, OMIM 156200.

Submission:

Labcorp Genetics (formerly Invitae), Labcorp
Classification: Uncertain significance for Intellectual developmental disorder, autosomal dominant 1. Last evaluated: 2023-11-25. Review status: criteria provided, single submitter. Criteria: Invitae Variant Classification Sherloc (09022015). Collection method: clinical testing. Allele origin: germline.
Comment: This sequence change replaces lysine, which is basic and polar, with asparagine, which is neutral and polar, at codon 367 of the MBD5 protein (p.Lys367Asn). This variant is not present in population databases (gnomAD no frequency). This variant has not been reported in the literature in individuals affected with MBD5-related conditions. Advanced modeling of protein sequence and biophysical properties (such as structural, functional, and spatial information, amino acid conservation, physicochemical variation, residue mobility, and thermodynamic stability) performed at Invitae indicates that this missense variant is not expected to disrupt MBD5 protein function with a negative predictive value of 80%. In summary, the available evidence is currently insufficient to determine the role of this variant in disease. Therefore, it has been classified as a Variant of Uncertain Significance.

NM_001378120.1(MBD5):c.1101A>C (p.Lys367Asn)

Gene: MBD5 (methyl-CpG binding domain protein 5; plus strand). Cytogenetic location: 2q23.1.
Variant type: single nucleotide variant.
Coding change: c.1101A>C on transcript NM_001378120.1 (MANE Select); coding-DNA position 1101, A replaced by C.
Protein change: p.Lys367Asn; replaces lysine 367 with asparagine.
Molecular consequence: missense variant.
Genome position (GRCh38, 1-based): chr2:148,469,044, A>C. VCF-style: chr2-148469044-A-C. GRCh37 (hg19) VCF-style: chr2-149226613-A-C.
Other names: c.1101A>C, p.Lys367Asn (NM_018328.5); short protein forms K367N.
Identifiers: ClinVar variation 2766842 (VCV002766842.3), dbSNP rs2469861235, ClinGen allele CA348718378.